The following is an entry in ClinVar:

NM_004646.4(NPHS1):c.766C>T (p.Arg256Trp)

Gene: NPHS1 (NPHS1 adhesion molecule, nephrin; minus strand). Cytogenetic location: 19q13.12.
Variant type: single nucleotide variant.
Coding change: c.766C>T on transcript NM_004646.4 (MANE Select); coding-DNA position 766, C replaced by T.
Protein change: p.Arg256Trp; replaces arginine 256 with tryptophan.
Molecular consequence: missense variant.
Genome position (GRCh38, 1-based): chr19:35,849,310, G>A on the plus strand (C>T on the coding strand, the complement: NPHS1 is on the minus strand). VCF-style: chr19-35849310-G-A. GRCh37 (hg19) VCF-style: chr19-36340212-G-A.
Other names: short protein forms R256W.
Identifiers: ClinVar variation 56522 (VCV000056522.50), dbSNP rs386833960, ClinGen allele CA250273.
Genomic context (GRCh38, chr19:35,849,310, plus strand): 5'-GTGTGGCTAAGGGATTACCCCCTCGGGCCACGCACGGCAGCTCCAAGCTCTGTCCTGCCC[G>A]CACGTGCCCCTCATCCAGGCCTGGCCACTCGATGACAGGGGGTCCTGGAGGGACTGGGGG-3'
Protein context (NP_004637.1, residues 246-266): EWPGLDEGHV[Arg256Trp]AGQSLELPCV

ClinVar aggregate classification (germline): Conflicting classifications of pathogenicity. Review status: criteria provided, conflicting classifications (1 of 4 stars). 5 submissions from 5 submitters: Uncertain significance (3); Likely benign (1). 1 of the submissions does not count toward it. Last evaluated 2026-01-18.

Conditions:
Finnish congenital nephrotic syndrome (NPHS1). Also called: NEPHROTIC SYNDROME, TYPE 1. Identifiers: Orphanet 839, MedGen C0403399, MONDO:0009732, OMIM 256300.

Allele frequency attached by ClinVar (database versions not stated): gnomAD 0.00019; TOPMed 0.00021; ESP Exome Variant Server 0.00023; 1000 Genomes Project 0.00060; 1000 Genomes Project 30x 0.00062.
gnomAD v4.1: 187 of 1,612,854 alleles (0.012%); highest among the groups gnomAD compares: South Asian, 0.12%; 1 homozygote.

Submissions (5):

Labcorp Genetics (formerly Invitae), Labcorp
Classification: Likely benign. Last evaluated: 2026-01-18. Review status: criteria provided, single submitter. Criteria: Invitae Variant Classification Sherloc (09022015). Collection method: clinical testing. Allele origin: germline.

Women's Health and Genetics/Laboratory Corporation of America, LabCorp
Classification: Uncertain significance. Last evaluated: 2022-07-08. Review status: criteria provided, single submitter. Criteria: LabCorp Variant Classification Summary - May 2015. Collection method: clinical testing. Allele origin: germline.
Comment: Variant summary: NPHS1 c.766C>T (p.Arg256Trp) results in a non-conservative amino acid change located in the Immunoglobulin subtype domain (IPR003599) of the encoded protein sequence. Four of five in-silico tools predict a damaging effect of the variant on protein function. The variant allele was found at a frequency of 0.00023 in 249294 control chromosomes, predominantly at a frequency of 0.0014 within the South Asian subpopulation in the gnomAD database, including 1 homozygotes. This frequency is not significantly higher than estimated for a pathogenic variant in NPHS1 causing Nephrotic Syndrome, Type 1 (0.00023 vs 0.0034), allowing no conclusion about variant significance. c.766C>T has been reported in the literature as a non-informative genotype (second allele/zygosity not specified) and in at-least one instance as a presumed compound heterozygous genotype in cohorts of individuals with a variety of renal phenotypes such as congenital nephrotic syndrome (CNS), unspecified nephrotic syndrome (NS), steroid resistant nephrotic syndrome (SRNS) (example, Heeringa_2008, Machuca_2010, Abid_2012, Sadowski_2015). These data do not allow any conclusion about variant significance. To our knowledge, no experimental evidence demonstrating an impact on protein function has been reported. One clinical diagnostic laboratory has submitted clinical-significance assessments for this variant to ClinVar after 2014 without evidence for independent evaluation and classified the variant as uncertain significance. Based on the evidence outlined above, the variant was classified as uncertain significance.

Fulgent Genetics
Classification: Uncertain significance for Finnish congenital nephrotic syndrome. Last evaluated: 2022-03-09. Review status: criteria provided, single submitter. Criteria: ACMG Guidelines, 2015. Collection method: clinical testing. Allele origin: unknown.

CeGaT Center for Human Genetics Tuebingen
Classification: Uncertain significance. Last evaluated: 2016-12-01. Review status: criteria provided, single submitter. Criteria: CeGaT Center For Human Genetics Tuebingen Variant Classification Criteria Version 2. Collection method: clinical testing. Allele origin: germline. Affected: yes. Observed: 1 variant allele.

Juha Muilu Group; Institute for Molecular Medicine Finland (FIMM)
Classification: Likely pathogenic for Finnish congenital nephrotic syndrome. Review status: no assertion criteria provided. Collection method: not provided. Allele origin: unknown. Not counted in ClinVar's aggregate classification.
Comment: FinDis database variant: This variant was not found or characterized by our laboratory, data were collected from public sources: see reference
ClinVar note: Converted during submission from probable-pathogenic to Likely pathogenic.

Literature cited by the submitters: PubMed 20507940 (cited by Women's Health and Genetics/Laboratory Corporation of America, LabCorp); PubMed 18503012 (cited by Women's Health and Genetics/Laboratory Corporation of America, LabCorp); PubMed 25349199 (cited by Women's Health and Genetics/Laboratory Corporation of America, LabCorp); PubMed 22565185 (cited by Women's Health and Genetics/Laboratory Corporation of America, LabCorp); PubMed 27019444 (cited by Women's Health and Genetics/Laboratory Corporation of America, LabCorp).